The following is an entry in ClinVar:

NM_000138.5(FBN1):c.7205-1G>C

Gene: FBN1 (fibrillin 1; minus strand). Cytogenetic location: 15q21.1.
Variant type: single nucleotide variant.
Coding change: c.7205-1G>C on transcript NM_000138.5 (MANE Select); the canonical splice acceptor site of the intron before coding-DNA position 7205, G replaced by C.
Molecular consequence: splice acceptor variant.
Genome position (GRCh38, 1-based): chr15:48,425,865, C>G on the plus strand (G>C on the coding strand, the complement: FBN1 is on the minus strand). VCF-style: chr15-48425865-C-G. GRCh37 (hg19) VCF-style: chr15-48718062-C-G.
Other names: c.7205-1G>C (NM_001406716.1).
Identifiers: ClinVar variation 836625 (VCV000836625.11), dbSNP rs794728266, ClinGen allele CA392328886.
Genomic context (GRCh38, chr15:48,425,865, plus strand): 5'-TGTCATTGACACATTCCCCATTTCGGCAAACATCGTGAATAACCTTGCATTCATCGATAT[C>G]TGTAATTTAACAAATATAAATTAAGAAATATATCATAAAATTGACAACATTAATATGTAG-3'

ClinVar aggregate classification (germline): Pathogenic/Likely pathogenic. Review status: criteria provided, multiple submitters, no conflicts (2 of 4 stars). 2 submissions from 2 submitters: Pathogenic (1); Likely pathogenic (1). Last evaluated 2024-09-21.

Conditions:
Familial thoracic aortic aneurysm and aortic dissection (TAAD). Also called: Thoracic aortic aneurysms and dissections. Identifiers: Orphanet 91387, MedGen C4707243, MONDO:0019625.
Marfan syndrome (MFS). Also called: MARFAN SYNDROME, TYPE I; Marfan syndrome, classic; FBN1-Related Marfan Syndrome; Marfan syndrome type 1; Marfan's syndrome. Identifiers: Orphanet 284963, Orphanet 558, MedGen C0024796, MONDO:0007947, OMIM 154700.

Submissions (2):

Labcorp Genetics (formerly Invitae), Labcorp
Classification: Pathogenic for Marfan syndrome; Familial thoracic aortic aneurysm and aortic dissection. Last evaluated: 2024-09-21. Review status: criteria provided, single submitter. Criteria: Invitae Variant Classification Sherloc (09022015). Collection method: clinical testing. Allele origin: germline.
Comment: This sequence change affects an acceptor splice site in intron 58 of the FBN1 gene. It is expected to disrupt RNA splicing. Variants that disrupt the donor or acceptor splice site typically lead to a loss of protein function (PMID: 16199547), and loss-of-function variants in FBN1 are known to be pathogenic (PMID: 17657824, 19293843). This variant is not present in population databases (gnomAD no frequency). Disruption of this splice site has been observed in individuals with clinical features of Marfan syndrome (PMID: 26787436; internal data). ClinVar contains an entry for this variant (Variation ID: 836625). Algorithms developed to predict the effect of sequence changes on RNA splicing suggest that this variant may disrupt the consensus splice site. For these reasons, this variant has been classified as Pathogenic.

Centre of Medical Genetics, University of Antwerp
Classification: Likely pathogenic for Familial thoracic aortic aneurysm and aortic dissection. Last evaluated: 2024-09-06. Review status: criteria provided, single submitter. Criteria: ACMG Guidelines, 2015. Collection method: clinical testing. Allele origin: germline. Affected: yes.
Comment: LP(PVS1; PM2; PP5)

Literature cited by the submitters: PubMed 16199547 (cited by Labcorp Genetics (formerly Invitae), Labcorp); PubMed 17657824 (cited by Labcorp Genetics (formerly Invitae), Labcorp); PubMed 19293843 (cited by Labcorp Genetics (formerly Invitae), Labcorp); PubMed 26787436 (cited by Labcorp Genetics (formerly Invitae), Labcorp).